The following is an entry in ClinVar:

NC_000018.9:g.(?_28647981)_(29178638_?)del

Genes: DSC1 (desmocollin 1; minus strand), DSC2 (desmocollin 2; minus strand), DSG1 (desmoglein 1; plus strand), DSG2 (desmoglein 2; plus strand), DSG3 (desmoglein 3; plus strand) and 2 more. Cytogenetic location: 18q12.1.
Variant type: Deletion.
Identifiers: ClinVar variation 3242756 (VCV003242756.1).

ClinVar aggregate classification (germline): Pathogenic (1 of 4 stars; one submission).

Conditions:
Arrhythmogenic right ventricular dysplasia 11. Also called: ARRHYTHMOGENIC RIGHT VENTRICULAR DYSPLASIA, FAMILIAL, 11; Arrhythmogenic Right Ventricular Dysplasia/Cardiomyopathy11; Arrhythmogenic right ventricular dysplasia 11 with mild palmoplantar keratoderma and woolly hair. Identifiers: MedGen C1864850, MONDO:0012506, OMIM 610476.

Submission:

Labcorp Genetics (formerly Invitae), Labcorp
Classification: Pathogenic for Arrhythmogenic right ventricular dysplasia 11. Last evaluated: 2023-04-14. Review status: criteria provided, single submitter. Criteria: Invitae Variant Classification Sherloc (09022015). Collection method: clinical testing. Allele origin: unknown.
Comment: For these reasons, this variant has been classified as Pathogenic. Isolated whole-gene deletions of DSC2 have not been reported in the literature. However, larger copy number events that include this gene have been reported (PMID: 29038103). A gross deletion of the genomic region encompassing the full coding sequence of the DSC2 gene has been identified. Loss-of-function variants in DSC2 are known to be pathogenic (PMID: 23911551). The boundaries of this event are unknown as they extend beyond the assayed region for this gene and therefore may encompass additional genes.

Literature cited by the submitters: PubMed 29038103; PubMed 23911551.